The following is an entry in ClinVar:

NM_001243279.3(ACSF3):c.545C>T (p.Pro182Leu)

Gene: ACSF3 (acyl-CoA synthetase family member 3; plus strand). Cytogenetic location: 16q24.3.
Variant type: single nucleotide variant.
Coding change: c.545C>T on transcript NM_001243279.3 (MANE Select); coding-DNA position 545, C replaced by T.
Protein change: p.Pro182Leu; replaces proline 182 with leucine.
Molecular consequence: missense variant. On other transcripts: non-coding transcript variant (3), intron variant (1).
Genome position (GRCh38, 1-based): chr16:89,101,226, C>T. VCF-style: chr16-89101226-C-T. GRCh37 (hg19) VCF-style: chr16-89167634-C-T.
Other names: c.545C>T, p.Pro182Leu (NM_001127214.4, NM_174917.5); c.-129-1378C>T (NM_001284316.2); c.545C>T (NM_174917.3); short protein forms P182L.
Identifiers: ClinVar variation 446065 (VCV000446065.11), dbSNP rs145470870, ClinGen allele CA8237688.

ClinVar aggregate classification (germline): Conflicting classifications of pathogenicity. Review status: criteria provided, conflicting classifications (1 of 4 stars). 6 submissions from 6 submitters: Uncertain significance (4); Likely benign (1). 1 of the submissions does not count toward it. Last evaluated 2026-02-02.

Conditions:
Inborn genetic diseases. Identifiers: MedGen C0950123, MeSH D030342.
Methylmalonic acidemia (MMA). Also called: Isolated Methylmalonic Acidemia. Identifiers: MedGen C0268583, MeSH C537358, MONDO:0002012, HP:0002912.
Combined malonic and methylmalonic acidemia. Identifiers: Orphanet 289504, MedGen C3280314, MONDO:0013661, OMIM 614265.

Allele frequency attached by ClinVar (database versions not stated): gnomAD 0.00012 and 0.00015; ExAC 0.00018; gnomAD exomes 0.00018; TOPMed 0.00019; ESP Exome Variant Server 0.00023; 1000 Genomes Project 0.00100; 1000 Genomes Project 30x 0.00125.
gnomAD v4.1: 141 of 1,601,576 alleles (0.0088%); highest among the groups gnomAD compares: Middle Eastern, 0.066%; no homozygotes.

Submissions (6):

Labcorp Genetics (formerly Invitae), Labcorp
Classification: Likely benign for Combined malonic and methylmalonic acidemia. Last evaluated: 2026-02-02. Review status: criteria provided, single submitter. Criteria: Invitae Variant Classification Sherloc (09022015). Collection method: clinical testing. Allele origin: germline.

Ambry Genetics
Classification: Uncertain significance for Inborn genetic diseases. Last evaluated: 2025-08-20. Review status: criteria provided, single submitter. Criteria: Ambry Variant Classification Scheme 2023. Collection method: clinical testing. Allele origin: germline.

GeneDx
Classification: Uncertain significance. Last evaluated: 2024-01-23. Review status: criteria provided, single submitter. Criteria: GeneDx Variant Classification Process June 2021. Collection method: clinical testing. Allele origin: germline. Affected: yes.
Comment: In silico analysis supports that this missense variant has a deleterious effect on protein structure/function; Has not been previously published as pathogenic or benign to our knowledge

Center for Pediatric Genomic Medicine, Children's Mercy Hospital and Clinics
Classification: Uncertain significance. Last evaluated: 2017-05-09. Review status: criteria provided, single submitter. Criteria: ACMG Guidelines, 2015. Collection method: clinical testing. Allele origin: germline.

Breakthrough Genomics
Classification: Uncertain significance. Review status: criteria provided, single submitter. Criteria: ACMG Guidelines, 2015. Collection method: not provided. Allele origin: germline. Inheritance: Unknown mechanism. Affected: yes.

Natera, Inc.
Classification: Uncertain significance for Methylmalonic acidemia. Last evaluated: 2020-09-16. Review status: no assertion criteria provided. Collection method: clinical testing. Allele origin: germline. Not counted in ClinVar's aggregate classification.